The following is an entry in ClinVar:

NM_016529.6(ATP8A2):c.2658C>T (p.Asn886=)

Gene: ATP8A2 (ATPase phospholipid transporting 8A2). Cytogenetic location: 13q12.13.
Variant type: single nucleotide variant.
Coding change: c.2658C>T on transcript NM_016529.6 (MANE Select); coding-DNA position 2658, C replaced by T.
Protein change: p.Asn886=; no amino-acid change (asparagine 886 retained).
Molecular consequence: synonymous variant.
Genome position (GRCh38, 1-based): chr13:25,774,938, C>T. VCF-style: chr13-25774938-C-T. GRCh37 (hg19) VCF-style: chr13-26349076-C-T.
Other names: c.2538C>T, p.Asn846= (NM_001313741.1).
Identifiers: ClinVar variation 1599591 (VCV001599591.32), dbSNP rs116883114, ClinGen allele CA6923394.

ClinVar aggregate classification (germline): Benign/Likely benign. Review status: criteria provided, multiple submitters, no conflicts (2 of 4 stars). 2 submissions from 2 submitters: Benign (1); Likely benign (1). Last evaluated 2026-10-01.

Allele frequency attached by ClinVar (database versions not stated): 1000 Genomes Project 0.00160; 1000 Genomes Project 30x 0.00187; gnomAD 0.00418 and 0.00459; ExAC 0.00445; gnomAD exomes 0.00452 and 0.00659; TOPMed 0.00479; ESP Exome Variant Server 0.00664.
gnomAD v4.1: 10,204 of 1,608,930 alleles (0.63%); highest among the groups gnomAD compares: Non-Finnish European, 0.76%; 55 homozygotes.

Submissions (2):

CeGaT Center for Human Genetics Tuebingen
Classification: Likely benign. Last evaluated: 2026-10-01. Review status: criteria provided, single submitter. Criteria: CeGaT Center For Human Genetics Tuebingen Variant Classification Criteria Version 2. Collection method: clinical testing. Allele origin: germline. Affected: yes. Observed: 22 variant alleles.
Comment: ATP8A2: BP4, BP7, BS2

Labcorp Genetics (formerly Invitae), Labcorp
Classification: Benign. Last evaluated: 2026-02-01. Review status: criteria provided, single submitter. Criteria: Invitae Variant Classification Sherloc (09022015). Collection method: clinical testing. Allele origin: germline.